The following is an entry in ClinVar:

NM_001006658.3(CR2):c.2773A>G (p.Asn925Asp)

Gene: CR2 (complement C3d receptor 2; plus strand). Cytogenetic location: 1q32.2.
Variant type: single nucleotide variant.
Coding change: c.2773A>G on transcript NM_001006658.3 (MANE Select); coding-DNA position 2773, A replaced by G.
Protein change: p.Asn925Asp; replaces asparagine 925 with aspartic acid.
Molecular consequence: missense variant.
Genome position (GRCh38, 1-based): chr1:207,476,290, A>G. VCF-style: chr1-207476290-A-G. GRCh37 (hg19) VCF-style: chr1-207649635-A-G.
Other names: c.2596A>G, p.Asn866Asp (NM_001877.5); short protein forms N866D, N925D.
Identifiers: ClinVar variation 957735 (VCV000957735.8), dbSNP rs751506325, ClinGen allele CA1369064.

ClinVar aggregate classification (germline): Conflicting classifications of pathogenicity. Review status: criteria provided, conflicting classifications (1 of 4 stars). 2 submissions from 2 submitters: Uncertain significance (1); Likely benign (1). Last evaluated 2025-09-10.

Conditions:
Inborn genetic diseases. Identifiers: MedGen C0950123, MeSH D030342.
Immunodeficiency, common variable, 7. Identifiers: Orphanet 1572, Orphanet 696894, MedGen C3542922, MONDO:0013862, OMIM 614699.

Allele frequency attached by ClinVar (database versions not stated): ExAC 0.00001; TOPMed 0.00012; gnomAD exomes 0.00001; gnomAD 0.00005 and 0.00007.
gnomAD v4.1: 21 of 1,613,830 alleles (0.0013%); highest among the groups gnomAD compares: African/African-American, 0.027%; no homozygotes.

Submissions (2):

Ambry Genetics
Classification: Likely benign for Inborn genetic diseases. Last evaluated: 2025-09-10. Review status: criteria provided, single submitter. Criteria: Ambry Variant Classification Scheme 2023. Collection method: clinical testing. Allele origin: germline.

Labcorp Genetics (formerly Invitae), Labcorp
Classification: Uncertain significance for Immunodeficiency, common variable, 7. Last evaluated: 2021-08-31. Review status: criteria provided, single submitter. Criteria: Invitae Variant Classification Sherloc (09022015). Collection method: clinical testing. Allele origin: germline.
Comment: This sequence change replaces asparagine with aspartic acid at codon 925 of the CR2 protein (p.Asn925Asp). The asparagine residue is weakly conserved and there is a small physicochemical difference between asparagine and aspartic acid. This variant is present in population databases (rs751506325, ExAC 0.01%). This variant has not been reported in the literature in individuals affected with CR2-related conditions. Algorithms developed to predict the effect of missense changes on protein structure and function output the following: SIFT: "Tolerated"; PolyPhen-2: "Benign"; Align-GVGD: "Class C0". The aspartic acid amino acid residue is found in multiple mammalian species, which suggests that this missense change does not adversely affect protein function. In summary, the available evidence is currently insufficient to determine the role of this variant in disease. Therefore, it has been classified as a Variant of Uncertain Significance.